The following is an entry in ClinVar:

NM_001378454.1(ALMS1):c.11953A>G (p.Ile3985Val)

Genes: ALMS1 (ALMS1 centrosome and basal body associated protein; plus strand), LOC126806252 (BRD4-independent group 4 enhancer GRCh37_chr2:73828496-73829695; plus strand). Cytogenetic location: 2p13.1.
Variant type: single nucleotide variant.
Coding change: c.11953A>G on transcript NM_001378454.1 (MANE Select); coding-DNA position 11953, A replaced by G.
Protein change: p.Ile3985Val; replaces isoleucine 3985 with valine.
Molecular consequence: missense variant.
Genome position (GRCh38, 1-based): chr2:73,601,275, A>G. VCF-style: chr2-73601275-A-G. GRCh37 (hg19) VCF-style: chr2-73828402-A-G.
Other names: c.11956A>G, p.Ile3986Val (NM_015120.4); short protein forms I3986V, I3985V.
Identifiers: ClinVar variation 581362 (VCV000581362.46), dbSNP rs201728850, ClinGen allele CA1715390.

ClinVar aggregate classification (germline): Conflicting classifications of pathogenicity. Review status: criteria provided, conflicting classifications (1 of 4 stars). 12 submissions from 12 submitters: Uncertain significance (5); Likely benign (5). 2 of the submissions do not count toward it. Last evaluated 2025-10-13.

Conditions:
Cardiovascular phenotype. Identifiers: MedGen CN230736.
Alstrom syndrome (ALMS). Identifiers: Orphanet 64, MedGen C0268425, MONDO:0008763, OMIM 203800.
Retinal dystrophy. Also called: Inherited retinal dystrophy. Identifiers: Orphanet 71862, MedGen C0854723, MeSH D058499, MONDO:0019118, HP:0000556.

Allele frequency attached by ClinVar (database versions not stated): ESP Exome Variant Server 0.00008; gnomAD 0.00014 and 0.00015; 1000 Genomes Project 30x 0.00016; gnomAD exomes 0.00016 and 0.00040; 1000 Genomes Project 0.00020; TOPMed 0.00020; ExAC 0.00033.
gnomAD v4.1: 255 of 1,614,214 alleles (0.016%); highest among the groups gnomAD compares: Admixed American, 0.11%; no homozygotes.

Submissions (12):

GeneDx
Classification: Uncertain significance. Last evaluated: 2025-10-13. Review status: criteria provided, single submitter. Criteria: GeneDx Variant Classification Process June 2021. Collection method: clinical testing. Allele origin: germline. Affected: yes.
Comment: In silico analysis suggests that this missense variant does not alter protein structure/function; Has not been previously published as pathogenic or benign to our knowledge

Blueprint Genetics
Classification: Likely benign. Last evaluated: 2024-09-19. Review status: criteria provided, single submitter. Criteria: ACMG Guidelines, 2015. Collection method: clinical testing. Allele origin: germline.

CeGaT Center for Human Genetics Tuebingen
Classification: Likely benign. Last evaluated: 2024-07-01. Review status: criteria provided, single submitter. Criteria: CeGaT Center For Human Genetics Tuebingen Variant Classification Criteria Version 2. Collection method: clinical testing. Allele origin: germline. Affected: yes. Observed: 1 variant allele.
Comment: ALMS1: BP4

Labcorp Genetics (formerly Invitae), Labcorp
Classification: Uncertain significance for Alstrom syndrome. Last evaluated: 2022-11-02. Review status: criteria provided, single submitter. Criteria: Invitae Variant Classification Sherloc (09022015). Collection method: clinical testing. Allele origin: germline.
Comment: This sequence change replaces isoleucine, which is neutral and non-polar, with valine, which is neutral and non-polar, at codon 3986 of the ALMS1 protein (p.Ile3986Val). This variant is present in population databases (rs201728850, gnomAD 0.2%). This variant has not been reported in the literature in individuals affected with ALMS1-related conditions. ClinVar contains an entry for this variant (Variation ID: 581362). Algorithms developed to predict the effect of missense changes on protein structure and function output the following: SIFT: "Not Available"; PolyPhen-2: "Not Available"; Align-GVGD: "Not Available". The valine amino acid residue is found in multiple mammalian species, which suggests that this missense change does not adversely affect protein function. In summary, the available evidence is currently insufficient to determine the role of this variant in disease. Therefore, it has been classified as a Variant of Uncertain Significance.

New York Genome Center
Classification: Uncertain significance for Alstrom syndrome. Last evaluated: 2021-12-09. Review status: criteria provided, single submitter. Criteria: NYGC Assertion Criteria 2020. Collection method: clinical testing. Allele origin: germline. Observed: 1 variant allele.
Comment: The heterozygous c.11953A>G (p.Ile3986Val) missense variant identified in the ALMS1 gene has not been reported in affected individuals in the literature. The variant has 0.0003620 allele frequency in the gnomAD (v2.1.1 and v3.1.2) database (102 out of 281762 heterozygous alleles, no homozygotes). This variant is reported as both a Variant of uncertain significance and likely benign associated with Alstrom syndrome in the ClinVar database (Variation ID: 581362). The variant affects a weakly conserved residue (Ile3986) of ALMS1 protein and is predicted neutral by multiple in silico prediction tools (CADD score = 6.015, REVEL score= 0.243). Based on the available evidence, the heterozygous c.11953A>G (p.Ile3986Val) missense variant identified in the ALMS1 gene is reported as a Variant of Uncertain Significance.

Genome-Nilou Lab
Classification: Likely benign for Alstrom syndrome. Last evaluated: 2021-05-18. Review status: criteria provided, single submitter. Criteria: ACMG Guidelines, 2015. Collection method: clinical testing. Allele origin: germline. Affected: no.

Ambry Genetics
Classification: Likely benign for Cardiovascular phenotype. Last evaluated: 2019-10-14. Review status: criteria provided, single submitter. Criteria: Ambry Variant Classification Scheme 2023. Collection method: clinical testing. Allele origin: germline.

Laboratory for Molecular Medicine, Mass General Brigham Personalized Medicine
Classification: Likely benign. Last evaluated: 2019-10-04. Review status: criteria provided, single submitter. Criteria: LMM Criteria. Collection method: clinical testing. Allele origin: germline. Observed: 1 variant allele.
Comment: The p.Ile3986Val variant in ALMS1 is classified as likely benign because it has been identified in 0.1% (59/35436) of Latino chromosomes by gnomAD, and computational prediction tools predict that this variant does not impact the protein. ACMG/AMP Criteria applied: BS1_Supporting, BP4.

Genetic Services Laboratory, University of Chicago
Classification: Uncertain significance. Last evaluated: 2019-05-01. Review status: criteria provided, single submitter. Criteria: ACMG Guidelines, 2015. Collection method: clinical testing. Allele origin: germline. Affected: no.

Fulgent Genetics
Classification: Uncertain significance for Alstrom syndrome. Last evaluated: 2018-10-31. Review status: criteria provided, single submitter. Criteria: ACMG Guidelines, 2015. Collection method: clinical testing. Allele origin: unknown.

Institute of Human Genetics, Univ. Regensburg, Univ. Regensburg
Classification: Uncertain significance for Retinal dystrophy. Last evaluated: 2022-01-01. Review status: no assertion criteria provided. Criteria: ACMG Guidelines, 2015. Collection method: clinical testing. Allele origin: germline. Affected: yes. Not counted in ClinVar's aggregate classification.

Natera, Inc.
Classification: Likely benign for Alstrom syndrome. Last evaluated: 2020-04-23. Review status: no assertion criteria provided. Collection method: clinical testing. Allele origin: germline. Not counted in ClinVar's aggregate classification.